The following is an entry in ClinVar:

ClinVar aggregate classification (germline): Uncertain significance (1 of 4 stars; one submission).

Conditions:
Congenital brain dysgenesis due to glutamine synthetase deficiency (GLND). Also called: GLUTAMINE SYNTHASE DEFICIENCY, CONGENITAL SYSTEMIC. Identifiers: Orphanet 71278, MedGen C1864910, MONDO:0012393, OMIM 610015.

gnomAD v4.1: 1 of 1,614,076 alleles (0.000062%); no homozygotes.

Submission:

Labcorp Genetics (formerly Invitae), Labcorp
Classification: Uncertain significance for Congenital brain dysgenesis due to glutamine synthetase deficiency. Last evaluated: 2024-12-24. Review status: criteria provided, single submitter. Criteria: Invitae Variant Classification Sherloc (09022015). Collection method: clinical testing. Allele origin: germline.
Comment: This sequence change replaces histidine, which is basic and polar, with arginine, which is basic and polar, at codon 217 of the GLUL protein (p.His217Arg). This variant is not present in population databases (gnomAD no frequency). This variant has not been reported in the literature in individuals affected with GLUL-related conditions. Invitae Evidence Modeling of protein sequence and biophysical properties (such as structural, functional, and spatial information, amino acid conservation, physicochemical variation, residue mobility, and thermodynamic stability) has been performed for this missense variant. However, the output from this modeling did not meet the statistical confidence thresholds required to predict the impact of this variant on GLUL protein function. In summary, the available evidence is currently insufficient to determine the role of this variant in disease. Therefore, it has been classified as a Variant of Uncertain Significance.

NM_001033044.4(GLUL):c.650A>G (p.His217Arg)

Gene: GLUL (glutamate-ammonia ligase; minus strand). Cytogenetic location: 1q25.3.
Variant type: single nucleotide variant.
Coding change: c.650A>G on transcript NM_001033044.4 (MANE Select); coding-DNA position 650, A replaced by G.
Protein change: p.His217Arg; replaces histidine 217 with arginine.
Molecular consequence: missense variant.
Genome position (GRCh38, 1-based): chr1:182,385,510, T>C on the plus strand (A>G on the coding strand, the complement: GLUL is on the minus strand). VCF-style: chr1-182385510-T-C. GRCh37 (hg19) VCF-style: chr1-182354645-T-C.
Other names: c.650A>G, p.His217Arg (NM_001033056.4, NM_002065.7); short protein forms H217R.
Identifiers: ClinVar variation 3665869 (VCV003665869.2).